The following is an entry in ClinVar:

ClinVar aggregate classification (germline): Likely benign (1 of 4 stars; one submission).

Allele frequency attached by ClinVar (database versions not stated): 1000 Genomes Project 0.00559; 1000 Genomes Project 30x 0.00593; gnomAD exomes 0.00870; gnomAD 0.01233 and 0.01266; TOPMed 0.01169.

Submission:

GeneDx
Classification: Likely benign. Last evaluated: 2018-06-19. Review status: criteria provided, single submitter. Criteria: GeneDx Variant Classification (06012015). Collection method: clinical testing. Allele origin: germline. Affected: yes.
Comment: This variant is considered likely benign or benign based on one or more of the following criteria: it is a conservative change, it occurs at a poorly conserved position in the protein, it is predicted to be benign by multiple in silico algorithms, and/or has population frequency not consistent with disease.

NM_016203.3(PRKAG2):c.-520C>T

Genes: PRKAG2 (protein kinase AMP-activated non-catalytic subunit gamma 2; minus strand), PRKAG2-AS1 (PRKAG2 antisense RNA 1; plus strand). Cytogenetic location: 7q36.1.
Variant type: single nucleotide variant.
Coding change: c.-520C>T on transcript NM_016203.3; 520 bases upstream of the start codon, C replaced by T.
Molecular consequence: non-coding transcript variant (on NR_038926.1).
Genome position (GRCh38, 1-based): chr7:151,877,140, G>A on the plus strand (C>T on the coding strand, the complement: PRKAG2 is on the minus strand). VCF-style: chr7-151877140-G-A. GRCh37 (hg19) VCF-style: chr7-151574225-G-A.
Identifiers: ClinVar variation 359364 (VCV000359364.9), dbSNP rs73160072, ClinGen allele CA10628508.